The following is an entry in ClinVar:

ClinVar aggregate classification (germline): Pathogenic/Likely pathogenic. Review status: criteria provided, multiple submitters, no conflicts (2 of 4 stars). 10 submissions from 10 submitters: Pathogenic (2); Likely pathogenic (7). 1 of the submissions does not count toward it. Last evaluated 2026-05-27.

Conditions:
Hematuria, benign familial, 1 (BFH1). Also called: THIN MEMBRANE NEPHROPATHY. Identifiers: MedGen CN376803, MONDO:0007709, OMIM 141200.
Autosomal recessive Alport syndrome (ATS2). Also called: ALPORT SYNDROME 2, AUTOSOMAL RECESSIVE; Alport syndrome type 2; COL4A3-Related Nephropathy; COL4A4 Alport Syndrome and Thin Basement Membrane Nephropathy. Identifiers: Orphanet 63, Orphanet 88919, MedGen C4746745, MONDO:0008762, OMIM 203780.
COL4A4-related disorder.
Alport syndrome. Also called: Hemorrhagic familial nephritis; Hemorrhagic hereditary nephritis; Congenital hereditary hematuria. Identifiers: Orphanet 63, MedGen C1567741, MONDO:0018965.
Autosomal dominant COL4A4-related disorders.

Allele frequency attached by ClinVar (database versions not stated): gnomAD exomes 0.00001 and 0.00003; ExAC 0.00002; gnomAD 0.00006 and 0.00007; ESP Exome Variant Server 0.00008; TOPMed 0.00008; 1000 Genomes Project 30x 0.00016; 1000 Genomes Project 0.00020.
gnomAD v4.1: 31 of 1,614,092 alleles (0.0019%); highest among the groups gnomAD compares: African/African-American, 0.013%; no homozygotes.

Submissions (10):

GeneDx
Classification: Likely pathogenic. Last evaluated: 2026-05-27. Review status: criteria provided, single submitter. Criteria: GeneDx Variant Classification Process June 2021. Collection method: clinical testing. Allele origin: germline.
Comment: Affects a glycine residue in a Gly-X-Y motif in the triple helical region of the COL4A4 gene, where the majority of pathogenic missense variants occur, and is predicted to disrupt normal protein folding and function (HGMD; PMID: 10752524); In silico analysis supports that this missense variant has a deleterious effect on protein structure/function; This variant is associated with the following publications: (PMID: 37895203, 26809805, 10752524, Rana2025[Abstract], Riella2026[Case Report])

Variantyx, Inc.
Classification: Likely pathogenic for Autosomal dominant COL4A4-related disorders. Last evaluated: 2026-01-06. Review status: criteria provided, single submitter. Criteria: Variantyx Assertion Criteria 2022. Collection method: clinical testing. Allele origin: germline. Inheritance: Autosomal recessive inheritance. Affected: yes.
Comment: This is a nonsynonymous variant in the COL4A4 gene (OMIM: 120131). Pathogenic variants in this gene have been associated with autosomal dominant COL4A4-Alport spectrum disorders. This variant has been reported in the heterozygous state in at least 4 unrelated individuals with Alport syndrome (PMID: 26809805, 37895203). The alteration lies within a known hotspot for pathogenic variants or a well-established critical functional domain of the COL4A4 protein (PMID: 33854215) (PM1_Strong), and multiple computational algorithms predict a deleterious effect for this variant (REVEL score: 0.808) (PP3). This variant has a 0.0133% maximum allele frequency in non-founder control populations. Based on the current evidence, this variant is classified as likely pathogenic for autosomal dominant COL4A4-Alport spectrum disorders.

PreventionGenetics, part of Exact Sciences
Classification: Pathogenic for COL4A4-related condition. Last evaluated: 2025-06-30. Review status: criteria provided, single submitter. Criteria: ACMG Guidelines, 2015. Collection method: clinical testing. Allele origin: germline.
Comment: The COL4A4 c.3022G>A variant is predicted to result in the amino acid substitution p.Gly1008Arg. This variant affects a glycine (Gly) residue of the conserved triple helical domain (residues 65 – 1459) of the COL4A4 protein, where substitutions of the glycine (Gly) residue are usually pathogenic (Hudson et al. 1993. PubMed ID: 8253711). This variant was also reported in the heterozygous state in three additional patients with Alport syndrome (Levy et al. 2023. PubMed ID: 37895203). This variant is reported in 0.025% of alleles in individuals of African descent in gnomAD. This variant is interpreted as pathogenic.

Labcorp Genetics (formerly Invitae), Labcorp
Classification: Likely pathogenic. Last evaluated: 2025-06-12. Review status: criteria provided, single submitter. Criteria: Invitae Variant Classification Sherloc (09022015). Collection method: clinical testing. Allele origin: germline.
Comment: This sequence change replaces glycine, which is neutral and non-polar, with arginine, which is basic and polar, at codon 1008 of the COL4A4 protein (p.Gly1008Arg). This variant is present in population databases (rs371172166, gnomAD 0.02%). This missense change has been observed in individuals with clinical features of autosomal dominant Alport syndrome (PMID: 26809805, 37895203; internal data). ClinVar contains an entry for this variant (Variation ID: 552195). Invitae Evidence Modeling of protein sequence and biophysical properties (such as structural, functional, and spatial information, amino acid conservation, physicochemical variation, residue mobility, and thermodynamic stability) indicates that this missense variant is expected to disrupt COL4A4 protein function with a positive predictive value of 95%. In summary, the currently available evidence indicates that the variant is pathogenic, but additional data are needed to prove that conclusively. Therefore, this variant has been classified as Likely Pathogenic.

Natera, Inc.
Classification: Likely pathogenic for Alport syndrome. Last evaluated: 2025-06-08. Review status: criteria provided, single submitter. Criteria: Natera Variant Classification Schema (03/2026). Collection method: clinical testing. Allele origin: germline.
Comment: The c.3022G>A variant in COL4A4 is a missense variant predicted to cause substitution of glycine to arginine at amino acid 1008. This variant is rare in the general population with a frequency below the threshold expected for the associated phenotype(s). This variant has been observed in affected individual(s) with monoallelic occurrence (heterozygous/hemizygous) (PMID: 37895203). This variant is located in a functionally critical region of the protein. Computational prediction algorithms indicate this variant is likely to affect gene or protein function. Given the available evidence, this variant is classified as Likely Pathogenic.

Fulgent Genetics
Classification: Pathogenic for Hematuria, benign familial, 1; Autosomal recessive Alport syndrome. Last evaluated: 2024-05-14. Review status: criteria provided, single submitter. Criteria: ACMG Guidelines, 2015. Collection method: clinical testing. Allele origin: germline.

CeGaT Center for Human Genetics Tuebingen
Classification: Likely pathogenic. Last evaluated: 2023-10-01. Review status: criteria provided, single submitter. Criteria: CeGaT Center For Human Genetics Tuebingen Variant Classification Criteria Version 2. Collection method: clinical testing. Allele origin: germline. Affected: yes. Observed: 1 variant allele.
Comment: COL4A4: PM2, PP4:Moderate, PS4:Moderate

Blueprint Genetics
Classification: Likely pathogenic for COL4A4-related disorders. Last evaluated: 2020-09-30. Review status: criteria provided, single submitter. Criteria: ACMG Guidelines, 2015. Collection method: clinical testing. Allele origin: germline. Affected: yes. Observed: 3 variant alleles.

Juno Genomics, Hangzhou Juno Genomics, Inc
Classification: Likely pathogenic for Hematuria, benign familial, 1; Autosomal recessive Alport syndrome. Review status: criteria provided, single submitter. Criteria: ACMG Guidelines, 2015. Collection method: clinical testing. Allele origin: germline.
Comment: Absent from controls (or at extremely low frequency if recessive) in Genome Aggregation Database.;Multiple lines of computational evidence support a deleterious effect on the gene or gene product.;The prevalence of the variant in affected individuals is significantly increased compared to the prevalence in controls.;Patient's phenotype or family history is highly specific for a disease with a single genetic etiology.;Located in a mutational hot spot and/or critical and well-established functional domain without benign variation.

Counsyl
Classification: Uncertain significance for Autosomal recessive Alport syndrome. Last evaluated: 2017-05-25. Review status: no assertion criteria provided. Collection method: clinical testing. Allele origin: unknown. Not counted in ClinVar's aggregate classification.

Literature cited by the submitters: PubMed 33854215 (cited by Variantyx, Inc.); PubMed 26809805 (cited by Labcorp Genetics (formerly Invitae), Labcorp and Counsyl); PubMed 37895203 (cited by Labcorp Genetics (formerly Invitae), Labcorp and Natera, Inc.).

NM_000092.5(COL4A4):c.3022G>A (p.Gly1008Arg)

Gene: COL4A4 (collagen type IV alpha 4 chain; minus strand). Cytogenetic location: 2q36.3.
Variant type: single nucleotide variant.
Coding change: c.3022G>A on transcript NM_000092.5 (MANE Select); coding-DNA position 3022, G replaced by A.
Protein change: p.Gly1008Arg; replaces glycine 1008 with arginine.
Molecular consequence: missense variant.
Genome position (GRCh38, 1-based): chr2:227,051,105, C>T on the plus strand (G>A on the coding strand, the complement: COL4A4 is on the minus strand). VCF-style: chr2-227051105-C-T. GRCh37 (hg19) VCF-style: chr2-227915821-C-T.
Other names: short protein forms G1008R.
Identifiers: ClinVar variation 552195 (VCV000552195.39), dbSNP rs371172166, ClinGen allele CA2144646.
Genomic context (GRCh38, chr2:227,051,105, plus strand): 5'-GTCCAGGAGGCCCTGGCTGACCTTTCTCACCAGGTTCCCCTCTGTGAAATCCAGGTGGTC[C>T]GTATCTTCCCGGCTCTCCTCTTCTCCCTTGCATCCCGGGAGTTCCTTTATCACCTGATGA-3'
Protein context (NP_000083.3, residues 998-1018): QGRRGEPGRY[Gly1008Arg]PPGFHRGEPG